The following is an entry in ClinVar:

ClinVar aggregate classification (germline): Conflicting classifications of pathogenicity. Review status: criteria provided, conflicting classifications (1 of 4 stars). 2 submissions from 2 submitters: Likely pathogenic (1); Uncertain significance (1). Last evaluated 2025-01-18.

Conditions:
Hereditary cancer-predisposing syndrome. Also called: Tumor predisposition; Hereditary neoplastic syndrome; Neoplastic Syndromes, Hereditary; Hereditary Cancer Syndrome. Identifiers: Orphanet 140162, MedGen C0027672, MeSH D009386, MONDO:0015356.

Allele frequency attached by ClinVar (database versions not stated): gnomAD exomes below 0.00001.
gnomAD v4.1: 3 of 1,611,642 alleles (0.00019%); highest among the groups gnomAD compares: Non-Finnish European, 0.00025%; no homozygotes.

Submissions (2):

Ambry Genetics
Classification: Uncertain significance for Hereditary cancer-predisposing syndrome. Last evaluated: 2025-01-18. Review status: criteria provided, single submitter. Criteria: Ambry Variant Classification Scheme 2023. Collection method: clinical testing. Allele origin: germline.
Comment: The c.1359+1G>A intronic variant results from a G to A substitution one nucleotide after coding exon 13 of the POLE gene. This nucleotide position is highly conserved in available vertebrate species. In silico splice site analysis predicts that this alteration will weaken the native splice donor site. Alterations that disrupt the canonical splice site are expected to cause aberrant splicing, resulting in an abnormal protein or a transcript that is subject to nonsense-mediated mRNA decay. Based on the supporting evidence, this alteration is likely pathogenic for POLE deficiency; however, the association of this alteration with POLE-related polymerase proofreading-associated polyposis (PPAP) and POLE-related CMMRD-like syndrome is unknown.

Labcorp Genetics (formerly Invitae), Labcorp
Classification: Likely pathogenic. Last evaluated: 2022-12-17. Review status: criteria provided, single submitter. Criteria: Invitae Variant Classification Sherloc (09022015). Collection method: clinical testing. Allele origin: germline.
Comment: This sequence change affects a donor splice site in intron 13 of the POLE gene. It is expected to disrupt RNA splicing. Variants that disrupt the donor or acceptor splice site typically lead to a loss of protein function (PMID: 16199547), and loss-of-function variants in POLE are known to be pathogenic (PMID: 23230001, 25948378, 30503519). This variant is present in population databases (no rsID available, gnomAD 0.0009%). This variant has not been reported in the literature in individuals affected with POLE-related conditions. ClinVar contains an entry for this variant (Variation ID: 818998). Algorithms developed to predict the effect of sequence changes on RNA splicing suggest that this variant may disrupt the consensus splice site. In summary, the currently available evidence indicates that the variant is pathogenic, but additional data are needed to prove that conclusively. Therefore, this variant has been classified as Likely Pathogenic.

Literature cited by the submitters: PubMed 16199547 (cited by Labcorp Genetics (formerly Invitae), Labcorp); PubMed 23230001 (cited by Labcorp Genetics (formerly Invitae), Labcorp); PubMed 25948378 (cited by Labcorp Genetics (formerly Invitae), Labcorp); PubMed 30503519 (cited by Labcorp Genetics (formerly Invitae), Labcorp).

NM_006231.4(POLE):c.1359+1G>A

Gene: POLE (DNA polymerase epsilon, catalytic subunit; minus strand). Cytogenetic location: 12q24.33.
Variant type: single nucleotide variant.
Coding change: c.1359+1G>A on transcript NM_006231.4 (MANE Select); the canonical splice donor site of the intron after coding-DNA position 1359, G replaced by A.
Molecular consequence: splice donor variant.
Genome position (GRCh38, 1-based): chr12:132,673,574, C>T on the plus strand (G>A on the coding strand, the complement: POLE is on the minus strand). VCF-style: chr12-132673574-C-T. GRCh37 (hg19) VCF-style: chr12-133250160-C-T.
Identifiers: ClinVar variation 818998 (VCV000818998.13), dbSNP rs1473881269, ClinGen allele CA387359048.
Genomic context (GRCh38, chr12:132,673,574, plus strand): 5'-TCCGTGGCCATCTGGATGCGTGCACACGGCAGCAGGGGCAGCCGGGATGTGGCTTACGTG[C>T]CTGGGGCTGCTCCGTGGCCATCCGGCACATGTCCTCCGGGTCTAGCTCCACGGGATCATA-3'